The following is an entry in ClinVar:

ClinVar aggregate classification (germline): Pathogenic/Likely pathogenic. Review status: criteria provided, multiple submitters, no conflicts (2 of 4 stars). 4 submissions from 4 submitters: Pathogenic (2); Likely pathogenic (2). Last evaluated 2025-07-10.

Conditions:
Fanconi anemia complementation group E (FANCE). Also called: FANCE-Related Fanconi Anemia. Identifiers: Orphanet 84, MedGen C3160739, MONDO:0010953, OMIM 600901.

Submissions (4):

First Genomix Gene Laboratory, Genetic Diagnostics Department
Classification: Pathogenic for Fanconi anemia complementation group E. Last evaluated: 2025-07-10. Review status: criteria provided, single submitter. Criteria: ACMG Guidelines, 2015. Collection method: clinical testing. Allele origin: germline. Inheritance: Autosomal recessive inheritance. Affected: no. Observed: 1 variant allele.

Fulgent Genetics
Classification: Likely pathogenic for Fanconi anemia complementation group E. Last evaluated: 2024-05-14. Review status: criteria provided, single submitter. Criteria: ACMG Guidelines, 2015. Collection method: clinical testing. Allele origin: germline.

Baylor Genetics
Classification: Likely pathogenic for Fanconi anemia complementation group E. Last evaluated: 2024-03-14. Review status: criteria provided, single submitter. Criteria: ACMG Guidelines, 2015. Collection method: clinical testing. Allele origin: unknown.

Labcorp Genetics (formerly Invitae), Labcorp
Classification: Pathogenic for Fanconi anemia complementation group E. Last evaluated: 2024-02-07. Review status: criteria provided, single submitter. Criteria: Invitae Variant Classification Sherloc (09022015). Collection method: clinical testing. Allele origin: germline.
Comment: This sequence change creates a premature translational stop signal (p.Val117Alafs*11) in the FANCE gene. It is expected to result in an absent or disrupted protein product. Loss-of-function variants in FANCE are known to be pathogenic (PMID: 11001585, 17924555). This variant is present in population databases (rs748337315, gnomAD 0.006%). This variant has not been reported in the literature in individuals affected with FANCE-related conditions. For these reasons, this variant has been classified as Pathogenic.

Literature cited by the submitters: PubMed 11001585 (cited by Labcorp Genetics (formerly Invitae), Labcorp); PubMed 17924555 (cited by Labcorp Genetics (formerly Invitae), Labcorp).

NM_021922.3(FANCE):c.350_351del (p.Val117fs)

Gene: FANCE (FA complementation group E; plus strand). Cytogenetic location: 6p21.31.
Variant type: Microsatellite.
Coding change: c.350_351del on transcript NM_021922.3 (MANE Select); coding-DNA positions 350 to 351, 2 bases deleted (TG; older notation c.350_351delTG).
Protein change: p.Val117fs; shifts the reading frame from valine 117.
Molecular consequence: frameshift variant.
Genome position (GRCh38, 1-based): chr6:35,455,848-35,455,849, TG deleted; deleting any 2 consecutive bases within chr6:35,455,846-35,455,849 gives the same sequence; the c. name uses the placement nearest the transcript's 3' end. VCF-style (leftmost placement, unchanged base first): chr6-35455845-CTG-C. GRCh37 (hg19) VCF-style: chr6-35423622-CTG-C.
Other names: c.350_351del, p.Val117fs (NM_001410876.1); c.350_351delTG (NM_021922.3); short protein forms V117fs.
Identifiers: ClinVar variation 2675537 (VCV002675537.7), dbSNP rs748337315, ClinGen allele CA3771392.